The following is an entry in ClinVar:

ClinVar aggregate classification (germline): Benign/Likely benign. Review status: criteria provided, multiple submitters, no conflicts (2 of 4 stars). 3 submissions from 3 submitters: Benign (1); Likely benign (2). Last evaluated 2025-06-22.

Conditions:
Hereditary cancer-predisposing syndrome. Also called: Neoplastic Syndromes, Hereditary; Tumor predisposition; Hereditary Cancer Syndrome; Hereditary neoplastic syndrome. Identifiers: Orphanet 140162, MedGen C0027672, MeSH D009386, MONDO:0015356.
Colorectal cancer, susceptibility to, 12 (CRCS12). Also called: COLORECTAL CANCER, SUSCEPTIBILITY TO, ON CHROMOSOME 12q24. Identifiers: Orphanet 220460, MedGen C3554460, MONDO:0014038, OMIM 615083.

Allele frequency attached by ClinVar (database versions not stated): gnomAD exomes below 0.00001; gnomAD 0.00003.
gnomAD v4.1: 5 of 1,614,032 alleles (0.00031%); highest among the groups gnomAD compares: Non-Finnish European, 0.00042%; no homozygotes.

Submissions (3):

Labcorp Genetics (formerly Invitae), Labcorp
Classification: Likely benign. Last evaluated: 2025-06-22. Review status: criteria provided, single submitter. Criteria: Invitae Variant Classification Sherloc (09022015). Collection method: clinical testing. Allele origin: germline.

Myriad Genetics, Inc.
Classification: Benign for Colorectal cancer, susceptibility to, 12. Last evaluated: 2025-02-10. Review status: criteria provided, single submitter. Criteria: Myriad Autosomal Dominant, Autosomal Recessive and X-Linked Classification Criteria (2023). Collection method: clinical testing. Allele origin: unknown.
Comment: This variant is considered benign. This variant is a silent/synonymous amino acid change and it is not expected to impact splicing.

Ambry Genetics
Classification: Likely benign for Hereditary cancer-predisposing syndrome. Last evaluated: 2017-05-25. Review status: criteria provided, single submitter. Criteria: Ambry Variant Classification Scheme 2023. Collection method: clinical testing. Allele origin: germline.

NM_006231.4(POLE):c.1254T>G (p.Pro418=)

Gene: POLE (DNA polymerase epsilon, catalytic subunit; minus strand). Cytogenetic location: 12q24.33.
Variant type: single nucleotide variant.
Coding change: c.1254T>G on transcript NM_006231.4 (MANE Select); coding-DNA position 1254, T replaced by G.
Protein change: p.Pro418=; no amino-acid change (proline 418 retained).
Molecular consequence: synonymous variant.
Genome position (GRCh38, 1-based): chr12:132,673,680, A>C on the plus strand (T>G on the coding strand, the complement: POLE is on the minus strand). VCF-style: chr12-132673680-A-C. GRCh37 (hg19) VCF-style: chr12-133250266-A-C.
Identifiers: ClinVar variation 484555 (VCV000484555.17), dbSNP rs1555228650, ClinGen allele CA482722825.